The following is an entry in ClinVar:

NM_001292063.2(OTOG):c.385+7C>G

Gene: OTOG (otogelin; plus strand). Cytogenetic location: 11p15.1.
Variant type: single nucleotide variant.
Coding change: c.385+7C>G on transcript NM_001292063.2 (MANE Select); 7 bases into the intron after coding-DNA position 385, C replaced by G.
Molecular consequence: intron variant.
Genome position (GRCh38, 1-based): chr11:17,553,218, C>G. VCF-style: chr11-17553218-C-G. GRCh37 (hg19) VCF-style: chr11-17574765-C-G.
Other names: c.421+7C>G (NM_001277269.2).
Identifiers: ClinVar variation 3389358 (VCV003389358.14).

ClinVar aggregate classification (germline): Uncertain significance (1 of 4 stars; one submission).

gnomAD v4.1: 1 of 1,550,134 alleles (0.000065%); highest among the groups gnomAD compares: African/African-American, 0.0014%; no homozygotes.

Submission:

CeGaT Center for Human Genetics Tuebingen
Classification: Uncertain significance. Last evaluated: 2024-11-01. Review status: criteria provided, single submitter. Criteria: CeGaT Center For Human Genetics Tuebingen Variant Classification Criteria Version 2. Collection method: clinical testing. Allele origin: germline. Affected: yes. Observed: 1 variant allele.
Comment: OTOG: PM2, BP4